The following is an entry in ClinVar:

NM_024675.4(PALB2):c.2817G>C (p.Leu939Phe)

Gene: PALB2 (partner and localizer of BRCA2; minus strand). Cytogenetic location: 16p12.2.
Variant type: single nucleotide variant.
Coding change: c.2817G>C on transcript NM_024675.4 (MANE Select); coding-DNA position 2817, G replaced by C.
Protein change: p.Leu939Phe; replaces leucine 939 with phenylalanine.
Molecular consequence: missense variant.
Genome position (GRCh38, 1-based): chr16:23,624,026, C>G on the plus strand (G>C on the coding strand, the complement: PALB2 is on the minus strand). VCF-style: chr16-23624026-C-G. GRCh37 (hg19) VCF-style: chr16-23635347-C-G.
Other names: short protein forms L939F.
Identifiers: ClinVar variation 490079 (VCV000490079.9), dbSNP rs1555459710, ClinGen allele CA395144870.
Genomic context (GRCh38, chr16:23,624,026, plus strand): 5'-CAAAGATGAAGGAAAAACAAATCACTCCTTGGGAATTACATACCTGATCTCTCTGATTTC[C>G]AAATTTCCCAAAGCTACACACACGAGATTATACACATCAGGCACTGGAACTATCTGTAAT-3'
Protein context (NP_078951.2, residues 929-949): YNLVCVALGN[Leu939Phe]EIREIRALFC

ClinVar aggregate classification (germline): Uncertain significance. Review status: criteria provided, multiple submitters, no conflicts (2 of 4 stars). 2 submissions from 2 submitters: Uncertain significance (2). Last evaluated 2023-12-05.

Conditions:
Hereditary cancer-predisposing syndrome. Also called: Hereditary Cancer Syndrome; Neoplastic Syndromes, Hereditary; Tumor predisposition; Hereditary neoplastic syndrome. Identifiers: Orphanet 140162, MedGen C0027672, MeSH D009386, MONDO:0015356.
Familial cancer of breast. Also called: Hereditary breast cancer; BREAST CANCER, FAMILIAL; hereditary breast carcinoma. Identifiers: Orphanet 227535, MedGen C0346153, MONDO:0016419, OMIM 114480. Disease mechanism: loss of function.

Submissions (2):

Color Diagnostics, LLC DBA Color Health
Classification: Uncertain significance for Hereditary cancer-predisposing syndrome. Last evaluated: 2023-12-05. Review status: criteria provided, single submitter. Criteria: ACMG Guidelines, 2015. Collection method: clinical testing. Allele origin: germline.
Comment: This missense variant replaces leucine with phenylalanine at codon 939 of the PALB2 protein. Computational prediction suggests that this variant may not impact protein structure and function (internally defined REVEL score threshold <= 0.5, PMID: 27666373). To our knowledge, functional studies have not been reported for this variant. This variant has not been reported in individuals affected with PALB2-related disorders in the literature. This variant has not been identified in the general population by the Genome Aggregation Database (gnomAD). The available evidence is insufficient to determine the role of this variant in disease conclusively. Therefore, this variant is classified as a Variant of Uncertain Significance.

Labcorp Genetics (formerly Invitae), Labcorp
Classification: Uncertain significance for Familial cancer of breast. Last evaluated: 2023-05-05. Review status: criteria provided, single submitter. Criteria: Invitae Variant Classification Sherloc (09022015). Collection method: clinical testing. Allele origin: germline.
Comment: This variant is not present in population databases (gnomAD no frequency). This sequence change replaces leucine, which is neutral and non-polar, with phenylalanine, which is neutral and non-polar, at codon 939 of the PALB2 protein (p.Leu939Phe). This variant has not been reported in the literature in individuals affected with PALB2-related conditions. In summary, the available evidence is currently insufficient to determine the role of this variant in disease. Therefore, it has been classified as a Variant of Uncertain Significance. Advanced modeling of protein sequence and biophysical properties (such as structural, functional, and spatial information, amino acid conservation, physicochemical variation, residue mobility, and thermodynamic stability) performed at Invitae indicates that this missense variant is expected to disrupt PALB2 protein function. ClinVar contains an entry for this variant (Variation ID: 490079).